The following is an entry in ClinVar:

NM_022455.5(NSD1):c.4062C>T (p.Gly1354=)

Gene: NSD1 (nuclear receptor binding SET domain protein 1; plus strand). Cytogenetic location: 5q35.3.
Variant type: single nucleotide variant.
Coding change: c.4062C>T on transcript NM_022455.5 (MANE Select); coding-DNA position 4062, C replaced by T.
Protein change: p.Gly1354=; no amino-acid change (glycine 1354 retained).
Molecular consequence: synonymous variant.
Genome position (GRCh38, 1-based): chr5:177,238,377, C>T. VCF-style: chr5-177238377-C-T. GRCh37 (hg19) VCF-style: chr5-176665378-C-T.
Other names: c.3189C>T, p.Gly1063= (NM_001365684.2, NM_001409306.1, NM_001409307.1 and 3 more transcripts); c.4062C>T, p.Gly1354= (NM_001409301.1, NM_001409302.1, NM_001409303.1); c.3642C>T, p.Gly1214= (NM_001409304.1); c.3309C>T, p.Gly1103= (NM_001409305.1).
Identifiers: ClinVar variation 159321 (VCV000159321.10), dbSNP rs144562009, ClinGen allele CA172822.
Genomic context (GRCh38, chr5:177,238,377, plus strand): 5'-TTTGATTTCAACCAAAGAAGAGCCTCCAGTTCTTGAAAGGGAGGCTCCGTTTTTGGAGGG[C>T]CCCTTGGCTCAGTCAGAACTTGGAGGTGGACATGCTGAGTTGCCGCAGCTGACCTTGTCT-3'
Protein context (NP_071900.2, residues 1344-1364): VLEREAPFLE[Gly1354=]PLAQSELGGG

ClinVar aggregate classification (germline): Benign/Likely benign. Review status: criteria provided, multiple submitters, no conflicts (2 of 4 stars). 3 submissions from 3 submitters: Benign (1); Likely benign (1). 1 of the submissions does not count toward it. Last evaluated 2023-01-28.

Conditions:
NSD1-related disorder. Also called: NSD1-related condition.

Allele frequency attached by ClinVar (database versions not stated): TOPMed 0.00002.
gnomAD v4.1: 6 of 1,613,926 alleles (0.00037%); highest among the groups gnomAD compares: Non-Finnish European, 0.00042%; no homozygotes.

Submissions (3):

Labcorp Genetics (formerly Invitae), Labcorp
Classification: Likely benign. Last evaluated: 2023-01-28. Review status: criteria provided, single submitter. Criteria: Invitae Variant Classification Sherloc (09022015). Collection method: clinical testing. Allele origin: germline.

Genetic Services Laboratory, University of Chicago
Classification: Benign. Last evaluated: 2013-02-08. Review status: criteria provided, single submitter. Criteria: ACMG Guidelines, 2007. Collection method: clinical testing. Allele origin: germline. Inheritance: Autosomal dominant inheritance.

PreventionGenetics, part of Exact Sciences
Classification: Likely benign for NSD1-related condition. Last evaluated: 2023-04-27. Review status: no assertion criteria provided. Collection method: clinical testing. Allele origin: germline. Not counted in ClinVar's aggregate classification.
Comment: This variant is classified as likely benign based on ACMG/AMP sequence variant interpretation guidelines (Richards et al. 2015 PMID: 25741868, with internal and published modifications).